The following is an entry in ClinVar:

NM_000069.3(CACNA1S):c.4165C>T (p.Arg1389Trp)

Gene: CACNA1S (calcium voltage-gated channel subunit alpha1 S; minus strand). Cytogenetic location: 1q32.1.
Variant type: single nucleotide variant.
Coding change: c.4165C>T on transcript NM_000069.3 (MANE Select); coding-DNA position 4165, C replaced by T.
Protein change: p.Arg1389Trp; replaces arginine 1389 with tryptophan.
Molecular consequence: missense variant.
Genome position (GRCh38, 1-based): chr1:201,050,465, G>A on the plus strand (C>T on the coding strand, the complement: CACNA1S is on the minus strand). VCF-style: chr1-201050465-G-A. GRCh37 (hg19) VCF-style: chr1-201019593-G-A.
Other names: c.4165C>T (NM_000069.2); short protein forms R1389W.
Identifiers: ClinVar variation 1440533 (VCV001440533.7), dbSNP rs376052781, ClinGen allele CA083132.

ClinVar aggregate classification (germline): Uncertain significance. Review status: criteria provided, multiple submitters, no conflicts (2 of 4 stars). 3 submissions from 3 submitters: Uncertain significance (3). Last evaluated 2025-10-15.

Conditions:
Malignant hyperthermia, susceptibility to, 5 (MHS5). Also called: CACNA1S-Related Malignant Hyperthermia Susceptibility. Identifiers: Orphanet 423, MedGen C1866077, MONDO:0011163, OMIM 601887.
Hypokalemic periodic paralysis, type 1. Also called: Hypokalemic Periodic Paralysis Type 1 (AD); HypoPP. Identifiers: Orphanet 681, MedGen C3714580, MONDO:0042979, OMIM 170400.
Inborn genetic diseases. Identifiers: MedGen C0950123, MeSH D030342.

Allele frequency attached by ClinVar (database versions not stated): gnomAD exomes 0.00001; ExAC 0.00002; ESP Exome Variant Server 0.00008.
gnomAD v4.1: 11 of 1,614,104 alleles (0.00068%); highest among the groups gnomAD compares: South Asian, 0.0011%; no homozygotes.

Submissions (3):

Ambry Genetics
Classification: Uncertain significance for Inborn genetic diseases. Last evaluated: 2025-10-15. Review status: criteria provided, single submitter. Criteria: Ambry Variant Classification Scheme 2023. Collection method: clinical testing. Allele origin: germline.

Color Diagnostics, LLC DBA Color Health
Classification: Uncertain significance for Malignant hyperthermia, susceptibility to, 5. Last evaluated: 2025-07-28. Review status: criteria provided, single submitter. Criteria: ACMG Guidelines, 2015. Collection method: clinical testing. Allele origin: germline.
Comment: This missense variant replaces arginine with tryptophan at codon 1389 of the CACNA1S protein. Computational prediction suggests that this variant may not impact protein structure and function. To our knowledge, functional studies have not been reported for this variant. This variant has not been reported in individuals affected with CACNA1S-related disorders in the literature. This variant has been identified in 3/251476 chromosomes in the general population by the Genome Aggregation Database (gnomAD). The available evidence is insufficient to determine the role of this variant in disease conclusively. Therefore, this variant is classified as a Variant of Uncertain Significance.

Labcorp Genetics (formerly Invitae), Labcorp
Classification: Uncertain significance for Hypokalemic periodic paralysis, type 1; Malignant hyperthermia, susceptibility to, 5. Last evaluated: 2021-09-01. Review status: criteria provided, single submitter. Criteria: Invitae Variant Classification Sherloc (09022015). Collection method: clinical testing. Allele origin: germline.
Comment: This sequence change replaces arginine with tryptophan at codon 1389 of the CACNA1S protein (p.Arg1389Trp). The arginine residue is highly conserved and there is a moderate physicochemical difference between arginine and tryptophan. This variant is present in population databases (rs376052781, ExAC 0.004%). This variant has not been reported in the literature in individuals affected with CACNA1S-related conditions. Advanced modeling of protein sequence and biophysical properties (such as structural, functional, and spatial information, amino acid conservation, physicochemical variation, residue mobility, and thermodynamic stability) performed at Invitae indicates that this missense variant is not expected to disrupt CACNA1S protein function. In summary, the available evidence is currently insufficient to determine the role of this variant in disease. Therefore, it has been classified as a Variant of Uncertain Significance.